The following is an entry in ClinVar:

ClinVar aggregate classification (germline): Benign/Likely benign. Review status: criteria provided, multiple submitters, no conflicts (2 of 4 stars). 9 submissions from 8 submitters: Benign (4); Likely benign (4). 1 of the submissions does not count toward it. Last evaluated 2026-01-25.

Conditions:
AP4E1-related disorder. Also called: AP4E1-related condition.
Spastic paraplegia. Identifiers: MedGen C0037772, HP:0001258.
Stuttering, familial persistent, 1. Also called: STAMMERING. Identifiers: MedGen C3489627, MONDO:0008483, OMIM 184450.
Hereditary spastic paraplegia. Also called: Familial spastic paraparesis. Identifiers: Orphanet 685, MedGen C0037773, MONDO:0019064. Disease mechanism: loss of function.
Hereditary spastic paraplegia 51. Also called: CEREBRAL PALSY, SPASTIC QUADRIPLEGIC, 4; Spastic paraplegia 51, autosomal recessive. Identifiers: Orphanet 280763, MedGen C3151056, MONDO:0013401, OMIM 613744.

Allele frequency attached by ClinVar (database versions not stated): gnomAD exomes 0.00046 and 0.00127; ExAC 0.00153; gnomAD 0.00466 and 0.00503; ESP Exome Variant Server 0.00485; 1000 Genomes Project 30x 0.00531; TOPMed 0.00560; 1000 Genomes Project 0.00579.
gnomAD v4.1: 1,417 of 1,613,886 alleles (0.088%); highest among the groups gnomAD compares: African/African-American, 1.7%; 13 homozygotes.

Submissions (9):

Labcorp Genetics (formerly Invitae), Labcorp
Classification: Benign for Spastic paraplegia. Last evaluated: 2026-01-25. Review status: criteria provided, single submitter. Criteria: Invitae Variant Classification Sherloc (09022015). Collection method: clinical testing. Allele origin: germline.

GeneDx
Classification: Likely benign. Last evaluated: 2023-11-22. Review status: criteria provided, single submitter. Criteria: GeneDx Variant Classification Process June 2021. Collection method: clinical testing. Allele origin: germline. Affected: yes.
Comment: See Variant Classification Assertion Criteria.

Genome-Nilou Lab
Classification: Benign for Hereditary spastic paraplegia 51. Last evaluated: 2021-12-05. Review status: criteria provided, single submitter. Criteria: ACMG Guidelines, 2015. Collection method: clinical testing. Allele origin: germline. Affected: no.

Genome-Nilou Lab
Classification: Benign for Stuttering, familial persistent, 1. Last evaluated: 2021-12-05. Review status: criteria provided, single submitter. Criteria: ACMG Guidelines, 2015. Collection method: clinical testing. Allele origin: germline. Affected: no.

Genome Diagnostics Laboratory, The Hospital for Sick Children
Classification: Likely benign for Hereditary spastic paraplegia. Last evaluated: 2018-09-01. Review status: criteria provided, single submitter. Criteria: ACMG Guidelines, 2015. Collection method: clinical testing. Allele origin: germline. Affected: yes.

Center for Pediatric Genomic Medicine, Children's Mercy Hospital and Clinics
Classification: Likely benign. Last evaluated: 2016-04-25. Review status: criteria provided, single submitter. Criteria: ACMG Guidelines, 2015. Collection method: clinical testing. Allele origin: germline.
ClinVar note: Converted during submission from Likely Benign to Likely benign.

Genetic Services Laboratory, University of Chicago
Classification: Benign. Last evaluated: 2016-03-26. Review status: criteria provided, single submitter. Criteria: ACMG Guidelines, 2015. Collection method: clinical testing. Allele origin: germline. Affected: no.

Breakthrough Genomics
Classification: Likely benign. Review status: criteria provided, single submitter. Criteria: ACMG Guidelines, 2015. Collection method: not provided. Allele origin: germline. Inheritance: Autosomal recessive inheritance. Affected: yes.

PreventionGenetics, part of Exact Sciences
Classification: Benign for AP4E1-related condition. Last evaluated: 2019-12-05. Review status: no assertion criteria provided. Collection method: clinical testing. Allele origin: germline. Not counted in ClinVar's aggregate classification.
Comment: This variant is classified as benign based on ACMG/AMP sequence variant interpretation guidelines (Richards et al. 2015 PMID: 25741868, with internal and published modifications).

NM_007347.5(AP4E1):c.2755A>G (p.Met919Val)

Gene: AP4E1 (adaptor related protein complex 4 subunit epsilon 1; plus strand). Cytogenetic location: 15q21.2.
Variant type: single nucleotide variant.
Coding change: c.2755A>G on transcript NM_007347.5 (MANE Select); coding-DNA position 2755, A replaced by G.
Protein change: p.Met919Val; replaces methionine 919 with valine.
Molecular consequence: missense variant.
Genome position (GRCh38, 1-based): chr15:50,997,734, A>G. VCF-style: chr15-50997734-A-G. GRCh37 (hg19) VCF-style: chr15-51289931-A-G.
Other names: c.2530A>G, p.Met844Val (NM_001252127.2); short protein forms M919V, M844V.
Identifiers: ClinVar variation 128398 (VCV000128398.23), dbSNP rs115188375, ClinGen allele CA151842.